The following is an entry in ClinVar:

NM_000051.4(ATM):c.933_951del (p.Leu312fs)

Gene: ATM (ATM serine/threonine kinase; plus strand). Cytogenetic location: 11q22.3.
Variant type: Deletion.
Coding change: c.933_951del on transcript NM_000051.4 (MANE Select); coding-DNA positions 933 to 951, 19 bases deleted (TTTATACAACTTATATGAT).
Protein change: p.Leu312fs; shifts the reading frame from leucine 312.
Molecular consequence: frameshift variant.
Genome position (GRCh38, 1-based): chr11:108,246,995-108,247,013, TTTATACAACTTATATGAT deleted; deleting any 19 consecutive bases within chr11:108,246,993-108,247,013 gives the same sequence; the c. name uses the placement nearest the transcript's 3' end. VCF-style (leftmost placement, unchanged base first): chr11-108246992-TATTTTATACAACTTATATG-T. GRCh37 (hg19) VCF-style: chr11-108117719-TATTTTATACAACTTATATG-T.
Other names: c.933_951del, p.Leu312fs (NM_001351834.2); short protein forms L312fs.
Identifiers: ClinVar variation 2846998 (VCV002846998.4), dbSNP rs2497179113, ClinGen allele CA2739270951.
Genomic context (GRCh38, chr11:108,246,992, plus strand): 5'-TAAAAATTACATTTTAATTTTTTGGATTACAGGTGCTTATGAATCAACAAAATGGAGAAG[TATTTTATACAACTTATATG>T]ATCTGCTAGTGAATGAGATAAGTCATATAGGAAGTAGAGGAAAGTATTCTTCAGGATTTC-3'

ClinVar aggregate classification (germline): Pathogenic. Review status: criteria provided, multiple submitters, no conflicts (2 of 4 stars). 2 submissions from 2 submitters: Pathogenic (2). Last evaluated 2024-01-11.

Conditions:
Familial cancer of breast. Also called: BREAST CANCER, FAMILIAL; Hereditary breast cancer; hereditary breast carcinoma. Identifiers: Orphanet 227535, MedGen C0346153, MONDO:0016419, OMIM 114480. Disease mechanism: loss of function.
Ataxia-telangiectasia syndrome (AT). Also called: Cerebello-oculocutaneous telangiectasia; Immunodeficiency with ataxia telangiectasia; Ataxia-telangiectasia, complementation group E; Ataxia-telangiectasia, complementation group D; LOUIS-BAR SYNDROME; AT, COMPLEMENTATION GROUP C. Identifiers: Orphanet 100, MedGen C0004135, MONDO:0008840, OMIM 208900.

Submissions (2):

Myriad Genetics, Inc.
Classification: Pathogenic for Familial cancer of breast. Last evaluated: 2024-01-11. Review status: criteria provided, single submitter. Criteria: Myriad Autosomal Dominant, Autosomal Recessive and X-Linked Classification Criteria (2023). Collection method: clinical testing. Allele origin: unknown.
Comment: This variant is considered pathogenic. This variant creates a frameshift predicted to result in premature protein truncation.

Labcorp Genetics (formerly Invitae), Labcorp
Classification: Pathogenic for Ataxia-telangiectasia syndrome. Last evaluated: 2023-03-18. Review status: criteria provided, single submitter. Criteria: Invitae Variant Classification Sherloc (09022015). Collection method: clinical testing. Allele origin: germline.
Comment: This variant has not been reported in the literature in individuals affected with ATM-related conditions. This variant is not present in population databases (gnomAD no frequency). This sequence change creates a premature translational stop signal (p.Leu312Cysfs*2) in the ATM gene. It is expected to result in an absent or disrupted protein product. Loss-of-function variants in ATM are known to be pathogenic (PMID: 23807571, 25614872). For these reasons, this variant has been classified as Pathogenic.

Literature cited by the submitters: PubMed 23807571 (cited by Labcorp Genetics (formerly Invitae), Labcorp); PubMed 25614872 (cited by Labcorp Genetics (formerly Invitae), Labcorp).